The following is an entry in ClinVar:

NM_152594.3(SPRED1):c.424-8C>A

Gene: SPRED1 (sprouty related EVH1 domain containing 1; plus strand). Cytogenetic location: 15q14.
Variant type: single nucleotide variant.
Coding change: c.424-8C>A on transcript NM_152594.3 (MANE Select); 8 bases into the intron before coding-DNA position 424, C replaced by A.
Molecular consequence: intron variant.
Genome position (GRCh38, 1-based): chr15:38,339,729, C>A. VCF-style: chr15-38339729-C-A. GRCh37 (hg19) VCF-style: chr15-38631930-C-A.
Other names: p.?.
Identifiers: ClinVar variation 41453 (VCV000041453.48), dbSNP rs7180446, ClinGen allele CA142279.
Genomic context (GRCh38, chr15:38,339,729, plus strand): 5'-GTATCTTATTTTGTGGTGGTGGTGGTTTTTATTCTGGCAACTAATGCATTGAGGGTTGTT[C>A]CCAATAGGCAAATGAAGAGGATTCTTCCAGTTCTCTAGTGAAGGATCACCTTTTTCAGCA-3'

ClinVar aggregate classification (germline): Benign. Review status: criteria provided, multiple submitters, no conflicts (2 of 4 stars). 16 submissions from 16 submitters: Benign (13). 3 of the submissions do not count toward it. Last evaluated 2026-02-04.

Conditions:
Legius syndrome. Identifiers: Orphanet 137605, MedGen C1969623, MONDO:0012669, OMIM 611431. Disease mechanism: loss of function.

Allele frequency attached by ClinVar (database versions not stated): ESP Exome Variant Server 0.82546; ExAC 0.86370; gnomAD exomes 0.86531 and 0.88850; TOPMed 0.80541; gnomAD 0.82015 and 0.82446; 1000 Genomes Project 30x 0.79747; 1000 Genomes Project 0.79932.
gnomAD v4.1: 1,422,155 of 1,612,586 alleles (88%); highest among the groups gnomAD compares: Non-Finnish European, 90%; 629,837 homozygotes.

Submissions (18):

Labcorp Genetics (formerly Invitae), Labcorp
Classification: Benign for Legius syndrome. Last evaluated: 2026-02-04. Review status: criteria provided, single submitter. Criteria: Invitae Variant Classification Sherloc (09022015). Collection method: clinical testing. Allele origin: germline.

ARUP Laboratories, Molecular Genetics and Genomics, ARUP Laboratories
Classification: Benign for Legius syndrome. Last evaluated: 2025-07-31. Review status: criteria provided, single submitter. Criteria: ARUP Molecular Germline Variant Investigation Process 2024. Collection method: clinical testing. Allele origin: germline.

Blueprint Genetics
Classification: Benign. Last evaluated: 2024-11-27. Review status: criteria provided, single submitter. Criteria: ACMG Guidelines, 2015. Collection method: clinical testing. Allele origin: germline.

KCCC/NGS Laboratory, Kuwait Cancer Control Center
Classification: Benign for Legius syndrome. Last evaluated: 2023-07-07. Review status: criteria provided, single submitter. Criteria: ACMG Guidelines, 2015. Collection method: clinical testing. Allele origin: germline. Affected: yes.

Mayo Clinic Laboratories, Mayo Clinic
Classification: Benign. Last evaluated: 2022-04-26. Review status: criteria provided, single submitter. Criteria: ACMG Guidelines, 2015. Collection method: clinical testing. Allele origin: germline. Observed: 126 variant alleles.

Genome-Nilou Lab
Classification: Benign for Legius syndrome. Last evaluated: 2021-07-15. Review status: criteria provided, single submitter. Criteria: ACMG Guidelines, 2015. Collection method: clinical testing. Allele origin: germline. Affected: no.

Illumina Laboratory Services, Illumina
Classification: Benign for Legius syndrome. Last evaluated: 2018-01-12. Review status: criteria provided, single submitter. Criteria: ICSL Variant Classification Criteria 13 December 2019. Collection method: clinical testing. Allele origin: germline.
Comment: This variant was observed in the ICSL laboratory as part of a predisposition screen in an ostensibly healthy population. It had not been previously curated by ICSL or reported in the Human Gene Mutation Database (HGMD: prior to June 1st, 2018), and was therefore a candidate for classification through an automated scoring system. Utilizing variant allele frequency, disease prevalence and penetrance estimates, and inheritance mode, an automated score was calculated to assess if this variant is too frequent to cause the disease. Based on the score and internal cut-off values, a variant classified as benign is not then subjected to further curation. The score for this variant resulted in a classification of benign for this disease.

Women's Health and Genetics/Laboratory Corporation of America, LabCorp
Classification: Benign. Last evaluated: 2017-04-17. Review status: criteria provided, single submitter. Criteria: LabCorp Variant Classification Summary - May 2015. Collection method: clinical testing. Allele origin: germline.
Comment: Variant summary: The SPRED1 c.424-8C>A variant involves the alteration of a non-conserved intronic nucleotide. Mutation taster predicts a benign outcome for this variant. 4/5 splice prediction tools predict no significant impact on normal splicing. This variant was found in 104727/121254 control chromosomes (45629 homozygotes) from ExAC at a frequency of 0.8636993 at a frequency of 0.8636993, which is approximately 345479 times the estimated maximal expected allele frequency of a pathogenic SPRED1 variant (0.0000025), therefore this variant is a benign common polymorphism. In addition, multiple clinical diagnostic laboratories/reputable databases classified this variant as benign. The variant of interest has not, to our knowledge, been reported in affected individuals via publications and/or reputable databases/clinical diagnostic laboratories; nor evaluated for functional impact by in vivo/vitro studies. Taken together, this variant is classified as benign.

Eurofins Ntd Llc (ga)
Classification: Benign. Last evaluated: 2015-09-10. Review status: criteria provided, single submitter. Criteria: EGL Classification Definitions 2015. Collection method: clinical testing. Allele origin: germline. Observed: 21 variant alleles, 5 heterozygotes, 16 homozygotes.

GeneDx
Classification: Benign. Last evaluated: 2015-07-14. Review status: criteria provided, single submitter. Criteria: GeneDx Variant Classification (06012015). Collection method: clinical testing. Allele origin: germline. Affected: yes.
Comment: This variant is considered likely benign or benign based on one or more of the following criteria: it is a conservative change, it occurs at a poorly conserved position in the protein, it is predicted to be benign by multiple in silico algorithms, and/or has population frequency not consistent with disease.

Laboratory for Molecular Medicine, Mass General Brigham Personalized Medicine
Classification: Benign. Last evaluated: 2012-03-14. Review status: criteria provided, single submitter. Criteria: LMM Criteria. Collection method: clinical testing. Allele origin: germline. Observed: 1,470 variant alleles.
Comment: 424-8C>A in intron 4 of SPRED1: This variant is not expected to have clinical si gnificance because it has been identified in 90% (6302/7020) of European America n chromosomes and 69% (2574/3738) of African American chromosomes from a broad p opulation by the NHLBI Exome Sequencing Project (S/; dbSNP rs7180446).

Breakthrough Genomics
Classification: Benign. Review status: criteria provided, single submitter. Criteria: ACMG Guidelines, 2015. Collection method: not provided. Allele origin: germline. Inheritance: Autosomal dominant inheritance. Affected: yes.

PreventionGenetics, part of Exact Sciences
Classification: Benign. Review status: criteria provided, single submitter. Criteria: ACMG Guidelines, 2015. Collection method: clinical testing. Allele origin: germline.

Clinical Genetics, Academic Medical Center
Classification: Benign. Review status: no assertion criteria provided. Collection method: clinical testing. Allele origin: germline. Affected: yes. Study: VKGL Data-share Consensus. Not counted in ClinVar's aggregate classification.

Diagnostic Laboratory, Department of Genetics, University Medical Center Groningen
Classification: Benign for Legius syndrome. Review status: no assertion criteria provided. Collection method: clinical testing. Allele origin: germline. Affected: yes. Study: VKGL Data-share Consensus. Not counted in ClinVar's aggregate classification.

Dr. Peter K. Rogan Lab, Western University
No classification provided (evidence only). Condition: Hepatocellular carcinoma. Review status: no classification provided. Collection method: in vitro. Allele origin: not applicable. Functional consequence: retained intron. Not counted in ClinVar's aggregate classification.

Dr. Peter K. Rogan Lab, Western University
No classification provided (evidence only). Condition: Hepatocellular carcinoma. Review status: no classification provided. Collection method: in vitro. Allele origin: not applicable. Functional consequence: retained intron. Not counted in ClinVar's aggregate classification.

Joint Genome Diagnostic Labs from Nijmegen and Maastricht, Radboudumc and MUMC+
Classification: Benign. Review status: no assertion criteria provided. Collection method: clinical testing. Allele origin: germline. Affected: yes. Study: VKGL Data-share Consensus. Not counted in ClinVar's aggregate classification.